The following is an entry in ClinVar:

NM_014000.3(VCL):c.146C>G (p.Ala49Gly)

Gene: VCL (vinculin; plus strand). Cytogenetic location: 10q22.2.
Variant type: single nucleotide variant.
Coding change: c.146C>G on transcript NM_014000.3 (MANE Select); coding-DNA position 146, C replaced by G.
Protein change: p.Ala49Gly; replaces alanine 49 with glycine.
Molecular consequence: missense variant.
Genome position (GRCh38, 1-based): chr10:73,998,353, C>G. VCF-style: chr10-73998353-C-G. GRCh37 (hg19) VCF-style: chr10-75758111-C-G.
Other names: c.146C>G, p.Ala49Gly (NM_003373.4); short protein forms A49G.
Identifiers: ClinVar variation 1773323 (VCV001773323.2), dbSNP rs1290715724, ClinGen allele CA377255440.

ClinVar aggregate classification (germline): Uncertain significance (1 of 4 stars; one submission).

Conditions:
Cardiovascular phenotype. Identifiers: MedGen CN230736.

Submission:

Ambry Genetics
Classification: Uncertain significance for Cardiovascular phenotype. Last evaluated: 2021-11-19. Review status: criteria provided, single submitter. Criteria: Ambry Variant Classification Scheme 2023. Collection method: clinical testing. Allele origin: germline.
Comment: The p.A49G variant (also known as c.146C>G), located in coding exon 1 of the VCL gene, results from a C to G substitution at nucleotide position 146. The alanine at codon 49 is replaced by glycine, an amino acid with similar properties. This amino acid position is conserved. In addition, this alteration is predicted to be tolerated by in silico analysis. Since supporting evidence is limited at this time, the clinical significance of this alteration remains unclear.